The following is an entry in ClinVar:

NM_001386298.1(CIC):c.1220C>T (p.Ala407Val)

Gene: CIC (capicua transcriptional repressor; plus strand). Cytogenetic location: 19q13.2.
Variant type: single nucleotide variant.
Coding change: c.1220C>T on transcript NM_001386298.1 (MANE Select); coding-DNA position 1220, C replaced by T.
Protein change: p.Ala407Val; replaces alanine 407 with valine.
Molecular consequence: missense variant.
Genome position (GRCh38, 1-based): chr19:42,273,003, C>T. VCF-style: chr19-42273003-C-T. GRCh37 (hg19) VCF-style: chr19-42777155-C-T.
Other names: c.1220C>T, p.Ala407Val (NM_001304815.2, NM_001379480.1, NM_001379482.1 and 6 more transcripts); short protein forms A407V.
Identifiers: ClinVar variation 4873558 (VCV004873558.2).
Genomic context (GRCh38, chr19:42,273,003, plus strand): 5'-TCAGCTTTGGTGGCAACCTGGGTACTCACTGTGAGGAGGGCGAGGAGAAGCACCCTCCAG[C>T]CCTGGGTACCCCAGCCCTGCTCCCACTGCCCCCACCCCAGCTCCTGTCACCACCACCCAA-3'
Protein context (NP_001373227.1, residues 397-417): CEEGEEKHPP[Ala407Val]LGTPALLPLP

ClinVar aggregate classification (germline): Uncertain significance (1 of 4 stars; one submission).

gnomAD v4.1: 3 of 398,966 alleles (0.00075%); highest among the groups gnomAD compares: East Asian, 0.0036%; no homozygotes.

Submission:

CeGaT Center for Human Genetics Tuebingen
Classification: Uncertain significance. Last evaluated: 2026-06-01. Review status: criteria provided, single submitter. Criteria: CeGaT Center For Human Genetics Tuebingen Variant Classification Criteria Version 2. Collection method: clinical testing. Allele origin: germline. Affected: yes. Observed: 1 variant allele.
Comment: CIC: PM2